The following is an entry in ClinVar:

NM_001173990.3(TMEM216):c.432-1G>C

Gene: TMEM216 (transmembrane protein 216; plus strand). Cytogenetic location: 11q12.2.
Variant type: single nucleotide variant.
Coding change: c.432-1G>C on transcript NM_001173990.3 (MANE Select); the canonical splice acceptor site of the intron before coding-DNA position 432, G replaced by C.
Molecular consequence: splice acceptor variant. On other transcripts: missense variant (2).
Genome position (GRCh38, 1-based): chr11:61,398,269, G>C. VCF-style: chr11-61398269-G-C. GRCh37 (hg19) VCF-style: chr11-61165741-G-C.
Other names: c.440G>C, p.Arg147Thr (NM_001173991.3); c.257G>C, p.Arg86Thr (NM_016499.6); c.249-1G>C (NM_001330285.2); short protein forms R147T, R86T.
Identifiers: ClinVar variation 126297 (VCV000126297.38), dbSNP rs10897158, ClinGen allele CA150980.

ClinVar aggregate classification (germline): Benign. Review status: criteria provided, multiple submitters, no conflicts (2 of 4 stars). 16 submissions from 14 submitters: Benign (14). 2 of the submissions do not count toward it. Last evaluated 2026-02-04.

Conditions:
Meckel syndrome, type 2 (MKS2). Also called: MECKEL-GRUBER SYNDROME, TYPE 2; MKS2-Related Meckel Syndrome. Identifiers: Orphanet 564, MedGen C1864148, MONDO:0011296, OMIM 603194.
Joubert syndrome 1 (JBTS1). Also called: Cerebellooculorenal syndrome 1; CEREBELLOPARENCHYMAL DISORDER IV. Identifiers: MedGen C4551568, MONDO:0008944, OMIM 213300.
Joubert syndrome 2 (JBTS2). Also called: CEREBELLOOCULORENAL SYNDROME 2. Identifiers: Orphanet 2318, MedGen C1842577, MONDO:0011963, OMIM 608091.
Joubert syndrome. Also called: JOUBERT-BOLTSHAUSER SYNDROME; Familial aplasia of the vermis. Identifiers: Orphanet 475, MedGen C5979921, MONDO:0018772.

Allele frequency attached by ClinVar (database versions not stated): 1000 Genomes Project 30x 0.70956; 1000 Genomes Project 0.71965; gnomAD exomes 0.83918; TOPMed 0.70236; ESP Exome Variant Server 0.70388.
gnomAD v4.1: 1,330,873 of 1,607,904 alleles (83%); highest among the groups gnomAD compares: East Asian, 97%; 560,838 homozygotes.

Submissions (17):

Labcorp Genetics (formerly Invitae), Labcorp
Classification: Benign for Joubert syndrome. Last evaluated: 2026-02-04. Review status: criteria provided, single submitter. Criteria: Invitae Variant Classification Sherloc (09022015). Collection method: clinical testing. Allele origin: germline.

Women's Health and Genetics/Laboratory Corporation of America, LabCorp
Classification: Benign. Last evaluated: 2025-02-14. Review status: criteria provided, single submitter. Criteria: LabCorp Variant Classification Summary - May 2015. Collection method: clinical testing. Allele origin: germline.
Comment: Variant summary: TMEM216 c.432-1G>C is located in the last canonical splice-site and is predicted to affect mRNA splicing resulting in a significantly altered protein due to either exon skipping, shortening, or inclusion of intronic material. Several computational tools predict a significant impact on normal splicing: Three predict the variant abolishes a 3' acceptor site. However, these predictions have yet to be confirmed by functional studies. The variant allele was found at a frequency of 0.83 in 244770 control chromosomes, suggesting that it is the major allele and therefore benign. The observed variant frequency is approximately 216 fold of the estimated maximal expected allele frequency for a pathogenic variant in TMEM216 causing Joubert Syndrome 2 phenotype (0.0039). To our knowledge, no occurrence of c.432-1G>C in individuals affected with Joubert Syndrome 2 and no experimental evidence demonstrating its impact on protein function have been reported. ClinVar contains an entry for this variant (Variation ID: 126297). Based on the evidence outlined above, the variant was classified as benign.

Blueprint Genetics
Classification: Benign. Last evaluated: 2024-11-27. Review status: criteria provided, single submitter. Criteria: ACMG Guidelines, 2015. Collection method: clinical testing. Allele origin: germline.

Mayo Clinic Laboratories, Mayo Clinic
Classification: Benign. Last evaluated: 2022-05-05. Review status: criteria provided, single submitter. Criteria: ACMG Guidelines, 2015. Collection method: clinical testing. Allele origin: germline. Observed: 1,018 variant alleles.

Genome-Nilou Lab
Classification: Benign for Joubert syndrome 2. Last evaluated: 2021-07-10. Review status: criteria provided, single submitter. Criteria: ACMG Guidelines, 2015. Collection method: clinical testing. Allele origin: germline. Affected: no.

Genome-Nilou Lab
Classification: Benign for Meckel syndrome, type 2. Last evaluated: 2021-07-10. Review status: criteria provided, single submitter. Criteria: ACMG Guidelines, 2015. Collection method: clinical testing. Allele origin: germline. Affected: no.

Mendelics
Classification: Benign for Joubert syndrome 1. Last evaluated: 2019-05-28. Review status: criteria provided, single submitter. Criteria: Mendelics Assertion Criteria 2017. Collection method: clinical testing. Allele origin: unknown.

Illumina Laboratory Services, Illumina
Classification: Benign for Joubert syndrome 2. Last evaluated: 2018-01-12. Review status: criteria provided, single submitter. Criteria: ICSL Variant Classification Criteria 13 December 2019. Collection method: clinical testing. Allele origin: germline.
Comment: This variant was observed in the ICSL laboratory as part of a predisposition screen in an ostensibly healthy population. It had not been previously curated by ICSL or reported in the Human Gene Mutation Database (HGMD: prior to June 1st, 2018), and was therefore a candidate for classification through an automated scoring system. Utilizing variant allele frequency, disease prevalence and penetrance estimates, and inheritance mode, an automated score was calculated to assess if this variant is too frequent to cause the disease. Based on the score and internal cut-off values, a variant classified as benign is not then subjected to further curation. The score for this variant resulted in a classification of benign for this disease.

Illumina Laboratory Services, Illumina
Classification: Benign for Meckel syndrome, type 2. Last evaluated: 2018-01-12. Review status: criteria provided, single submitter. Criteria: ICSL Variant Classification Criteria 13 December 2019. Collection method: clinical testing. Allele origin: germline.
Comment: the same text as in the submission from Illumina Laboratory Services, Illumina above.

GeneDx
Classification: Benign. Last evaluated: 2015-03-03. Review status: criteria provided, single submitter. Criteria: GeneDx Variant Classification Process June 2021. Collection method: clinical testing. Allele origin: germline. Affected: yes.

Eurofins Ntd Llc (ga)
Classification: Benign. Last evaluated: 2014-04-25. Review status: criteria provided, single submitter. Criteria: EGL Classification Definitions 2015. Collection method: clinical testing. Allele origin: germline. Observed: 1 variant allele, 1 heterozygote.

Genetic Services Laboratory, University of Chicago
Classification: Benign for AllHighlyPenetrant. Last evaluated: 2013-09-04. Review status: criteria provided, single submitter. Criteria: ACMG Guidelines, 2007. Collection method: clinical testing. Allele origin: germline. Inheritance: Autosomal recessive inheritance. Observed: 263 variant alleles.

Breakthrough Genomics
Classification: Benign. Review status: criteria provided, single submitter. Criteria: ACMG Guidelines, 2015. Collection method: not provided. Allele origin: germline. Inheritance: Autosomal recessive inheritance. Affected: yes.

PreventionGenetics, part of Exact Sciences
Classification: Benign. Review status: criteria provided, single submitter. Criteria: ACMG Guidelines, 2015. Collection method: clinical testing. Allele origin: germline.

Clinical Genetics DNA and cytogenetics Diagnostics Lab, Erasmus MC, Erasmus Medical Center
Classification: Benign. Review status: no assertion criteria provided. Collection method: clinical testing. Allele origin: germline. Affected: yes. Study: VKGL Data-share Consensus. Not counted in ClinVar's aggregate classification.

Diagnostic Laboratory, Department of Genetics, University Medical Center Groningen
Classification: Benign. Review status: no assertion criteria provided. Collection method: clinical testing. Allele origin: germline. Affected: yes. Study: VKGL Data-share Consensus. Not counted in ClinVar's aggregate classification.

Dr. Peter K. Rogan Lab, Western University
No classification provided (evidence only). Condition: Uterine corpus endometrial carcinoma. Review status: no classification provided. Collection method: in vitro. Allele origin: not applicable. Functional consequence: retained intron. Not counted in ClinVar's aggregate classification.